The following is an entry in ClinVar:

ClinVar aggregate classification (germline): Uncertain significance (1 of 4 stars; one submission).

Conditions:
Nephrolithiasis/nephrocalcinosis. Identifiers: MedGen CN580796.

Allele frequency attached by ClinVar (database versions not stated): ExAC 0.00001.

Submission:

Ambry Genetics
Classification: Uncertain significance for Nephrolithiasis/nephrocalcinosis. Last evaluated: 2021-06-22. Review status: criteria provided, single submitter. Criteria: Ambry Variant Classification Scheme 2023. Collection method: clinical testing. Allele origin: germline.
Comment: The p.A309V variant (also known as c.926C>T), located in coding exon 9 of the GRHPR gene, results from a C to T substitution at nucleotide position 926. The alanine at codon 309 is replaced by valine, an amino acid with similar properties. This amino acid position is conserved. In addition, the in silico prediction for this alteration is inconclusive. Since supporting evidence is limited at this time, the clinical significance of this alteration remains unclear.

NM_012203.2(GRHPR):c.926C>T (p.Ala309Val)

Gene: GRHPR (glyoxylate and hydroxypyruvate reductase; plus strand). Cytogenetic location: 9p13.2.
Variant type: single nucleotide variant.
Coding change: c.926C>T on transcript NM_012203.2 (MANE Select); coding-DNA position 926, C replaced by T.
Protein change: p.Ala309Val; replaces alanine 309 with valine.
Molecular consequence: missense variant.
Genome position (GRCh38, 1-based): chr9:37,436,721, C>T. VCF-style: chr9-37436721-C-T. GRCh37 (hg19) VCF-style: chr9-37436718-C-T.
Other names: short protein forms A309V.
Identifiers: ClinVar variation 1766389 (VCV001766389.2), dbSNP rs766228863, ClinGen allele CA5059346.